The following is an entry in ClinVar:

ClinVar aggregate classification (germline): Uncertain significance. Review status: criteria provided, multiple submitters, no conflicts (2 of 4 stars). 2 submissions from 2 submitters: Uncertain significance (2). Last evaluated 2024-10-25.

Conditions:
Inborn genetic diseases. Identifiers: MedGen C0950123, MeSH D030342.

Allele frequency attached by ClinVar (database versions not stated): ExAC 0.00002; gnomAD 0.00002; TOPMed 0.00003; gnomAD exomes 0.00004.

Submissions (2):

Ambry Genetics
Classification: Uncertain significance for Inborn genetic diseases. Last evaluated: 2024-10-25. Review status: criteria provided, single submitter. Criteria: Ambry Variant Classification Scheme 2023. Collection method: clinical testing. Allele origin: germline.

Labcorp Genetics (formerly Invitae), Labcorp
Classification: Uncertain significance. Last evaluated: 2022-03-14. Review status: criteria provided, single submitter. Criteria: Invitae Variant Classification Sherloc (09022015). Collection method: clinical testing. Allele origin: germline.
Comment: This sequence change replaces glycine, which is neutral and non-polar, with arginine, which is basic and polar, at codon 202 of the C6 protein (p.Gly202Arg). This variant is present in population databases (rs772107757, gnomAD 0.007%). This variant has not been reported in the literature in individuals affected with C6-related conditions. Algorithms developed to predict the effect of missense changes on protein structure and function are either unavailable or do not agree on the potential impact of this missense change (SIFT: "Deleterious"; PolyPhen-2: "Benign"; Align-GVGD: "Class C0"). In summary, the available evidence is currently insufficient to determine the role of this variant in disease. Therefore, it has been classified as a Variant of Uncertain Significance.

NM_000065.5(C6):c.604G>A (p.Gly202Arg)

Gene: C6 (complement C6; minus strand). Cytogenetic location: 5p13.1.
Variant type: single nucleotide variant.
Coding change: c.604G>A on transcript NM_000065.5 (MANE Select); coding-DNA position 604, G replaced by A.
Protein change: p.Gly202Arg; replaces glycine 202 with arginine.
Molecular consequence: missense variant.
Genome position (GRCh38, 1-based): chr5:41,186,192, C>T on the plus strand (G>A on the coding strand, the complement: C6 is on the minus strand). VCF-style: chr5-41186192-C-T. GRCh37 (hg19) VCF-style: chr5-41186294-C-T.
Other names: c.604G>A, p.Gly202Arg (NM_001115131.4); short protein forms G202R.
Identifiers: ClinVar variation 2084181 (VCV002084181.2), dbSNP rs772107757, ClinGen allele CA3252721.